The following is an entry in ClinVar:

NM_000141.5(FGFR2):c.1645_1646delinsCT (p.Asn549Leu)

Gene: FGFR2 (fibroblast growth factor receptor 2; minus strand). Cytogenetic location: 10q26.13.
Variant type: Indel.
Coding change: c.1645_1646delinsCT on transcript NM_000141.5 (MANE Select); coding-DNA positions 1645 to 1646, AA replaced by CT.
Protein change: p.Asn549Leu; replaces asparagine 549 with leucine.
Molecular consequence: missense variant. On other transcripts: non-coding transcript variant (1).
Genome position (GRCh38, 1-based): chr10:121,498,521-121,498,522, TT replaced by AG on the plus strand (AA replaced by CT on the coding strand, the reverse complement: FGFR2 is on the minus strand). VCF-style: chr10-121498521-TT-AG. GRCh37 (hg19) VCF-style: chr10-123258035-TT-AG.
Other names: c.1648_1649delinsCT, p.Asn550Leu (NM_001144913.1, NM_022970.4); c.1309_1310delinsCT, p.Asn437Leu (NM_001144914.1); c.1378_1379delinsCT, p.Asn460Leu (NM_001144915.2); c.1300_1301delinsCT, p.Asn434Leu (NM_001144916.2); c.1297_1298delinsCT, p.Asn433Leu (NM_001144917.2); c.1294_1295delinsCT, p.Asn432Leu (NM_001144918.2); c.1381_1382delinsCT, p.Asn461Leu (NM_001144919.2); c.961_962delinsCT, p.Asn321Leu (NM_001320654.2); and 2 more; short protein forms N432L, N461L, N321L, N434L, N460L, N550L, N437L, N547L.
Identifiers: ClinVar variation 374822 (VCV000374822.2), dbSNP rs1057519046, ClinGen allele CA16043907.

ClinVar aggregate classification (germline): Likely pathogenic (1 of 4 stars; one submission).

Conditions:
Craniosynostosis, nonspecific.

Submission:

Genomic Diagnostic Laboratory, Division of Genomic Diagnostics, Children's Hospital of Philadelphia
Classification: Likely pathogenic for Craniosynostosis, nonspecific. Last evaluated: 2016-09-17. Review status: criteria provided, single submitter. Criteria: DGD Variant Analysis Guidelines. Collection method: clinical testing. Allele origin: germline. Affected: yes. Observed: 1 variant allele.
Comment: Clinical Testing